The following is an entry in ClinVar:

NM_201384.3(PLEC):c.4543G>A (p.Val1515Met)

Gene: PLEC (plectin; minus strand). Cytogenetic location: 8q24.3.
Variant type: single nucleotide variant.
Coding change: c.4543G>A on transcript NM_201384.3 (MANE Select); coding-DNA position 4543, G replaced by A.
Protein change: p.Val1515Met; replaces valine 1515 with methionine.
Molecular consequence: missense variant. On other transcripts: intron variant (1).
Genome position (GRCh38, 1-based): chr8:143,925,386, C>T on the plus strand (G>A on the coding strand, the complement: PLEC is on the minus strand). VCF-style: chr8-143925386-C-T. GRCh37 (hg19) VCF-style: chr8-144999554-C-T.
Other names: c.4624G>A, p.Val1542Met (NM_000445.5); c.4501G>A, p.Val1501Met (NM_201378.4); c.4477G>A, p.Val1493Met (NM_201379.3); c.4954G>A, p.Val1652Met (NM_201380.4); c.4447G>A, p.Val1483Met (NM_201381.3); c.4543G>A, p.Val1515Met (NM_201382.4); c.4555G>A, p.Val1519Met (NM_201383.3); c.4125+1398G>A (NM_001410941.1); short protein forms V1483M, V1493M, V1501M, V1515M, V1519M, V1542M, V1652M.
Identifiers: ClinVar variation 3760974 (VCV003760974.3).

ClinVar aggregate classification (germline): Uncertain significance. Review status: criteria provided, multiple submitters, no conflicts (2 of 4 stars). 2 submissions from 2 submitters: Uncertain significance (2). Last evaluated 2024-09-29.

Conditions:
Autosomal recessive limb-girdle muscular dystrophy. Identifiers: Orphanet 102015, MedGen C2931907, MONDO:0015152.
Epidermolysis bullosa simplex with nail dystrophy (EBS5D). Identifiers: MedGen C4225309, MONDO:0014661, OMIM 616487.
Epidermolysis bullosa simplex, Ogna type (EBS5A). Also called: EPIDERMOLYSIS BULLOSA SIMPLEX 5A, OGNA TYPE; Pidermolysis bullosa simplex 5A, Ogna type. Identifiers: Orphanet 79401, MedGen C0432317, MONDO:0007555, OMIM 131950.
Autosomal recessive limb-girdle muscular dystrophy type 2Q (LGMDR17). Also called: MUSCULAR DYSTROPHY, LIMB-GIRDLE, AUTOSOMAL RECESSIVE 17. Identifiers: Orphanet 254361, MedGen C3150989, MONDO:0013390, OMIM 613723.
Epidermolysis bullosa simplex 5B, with muscular dystrophy (EBS5B). Also called: EPIDERMOLYSIS BULLOSA SIMPLEX AND LIMB-GIRDLE MUSCULAR DYSTROPHY; Epidermolysis bullosa simplex with muscular dystrophy. Identifiers: Orphanet 257, MedGen C2931072, MONDO:0009181, OMIM 226670.
Epidermolysis bullosa simplex 5C, with pyloric atresia (EBS5C). Also called: PLEC1-Related Epidermolysis Bullosa with Pyloric Atresia; PLEC-Related Epidermolysis Bullosa with Pyloric Atresia; Epidermolysis bullosa simplex with pyloric atresia. Identifiers: Orphanet 158684, MedGen C2677349, MONDO:0012807, OMIM 612138.

Submissions (2):

Labcorp Genetics (formerly Invitae), Labcorp
Classification: Uncertain significance for Autosomal recessive limb-girdle muscular dystrophy type 2Q; Epidermolysis bullosa simplex, Ogna type; Epidermolysis bullosa simplex with nail dystrophy; Epidermolysis bullosa simplex 5C, with pyloric atresia; Epidermolysis bullosa simplex 5B, with muscular dystrophy. Last evaluated: 2024-09-29. Review status: criteria provided, single submitter. Criteria: Invitae Variant Classification Sherloc (09022015). Collection method: clinical testing. Allele origin: germline.
Comment: This sequence change replaces valine, which is neutral and non-polar, with methionine, which is neutral and non-polar, at codon 1542 of the PLEC protein (p.Val1542Met). This variant is not present in population databases (gnomAD no frequency). This variant has not been reported in the literature in individuals affected with PLEC-related conditions. Experimental studies and prediction algorithms are not available or were not evaluated, and the functional significance of this variant is currently unknown. In summary, the available evidence is currently insufficient to determine the role of this variant in disease. Therefore, it has been classified as a Variant of Uncertain Significance.

Department of Pathology and Laboratory Medicine, Sinai Health System
Classification: Uncertain significance for autosomal recessive limb-girdle muscular dystrophy. Last evaluated: 2021-05-17. Review status: criteria provided, single submitter. Criteria: ACMG Guidelines, 2015. Collection method: research. Allele origin: germline.